The following is an entry in ClinVar:

ClinVar aggregate classification (germline): Uncertain significance. Review status: criteria provided, multiple submitters, no conflicts (2 of 4 stars). 2 submissions from 2 submitters: Uncertain significance (2). Last evaluated 2025-04-29.

Conditions:
Hereditary pheochromocytoma and paraganglioma. Also called: Hereditary paragangliomas and pheochromocytomas; Hereditary Paraganglioma-Pheochromocytoma Syndromes; Hereditary pheochromocytoma-paraganglioma. Identifiers: Orphanet 29072, MedGen C4274332, MONDO:0017366.
Hereditary cancer-predisposing syndrome. Also called: Tumor predisposition; Hereditary Cancer Syndrome; Hereditary neoplastic syndrome; Neoplastic Syndromes, Hereditary. Identifiers: Orphanet 140162, MedGen C0027672, MeSH D009386, MONDO:0015356.

Allele frequency attached by ClinVar (database versions not stated): gnomAD 0.00001; TOPMed 0.00001.
gnomAD v4.1: 1 of 1,613,870 alleles (0.000062%); highest among the groups gnomAD compares: African/African-American, 0.0013%; no homozygotes.

Submissions (2):

Ambry Genetics
Classification: Uncertain significance for Hereditary cancer-predisposing syndrome. Last evaluated: 2025-04-29. Review status: criteria provided, single submitter. Criteria: Ambry Variant Classification Scheme 2023. Collection method: clinical testing. Allele origin: germline.
Comment: The p.H93L variant (also known as c.278A>T), located in coding exon 3 of the SDHAF2 gene, results from an A to T substitution at nucleotide position 278. The histidine at codon 93 is replaced by leucine, an amino acid with similar properties. This amino acid position is not well conserved in available vertebrate species. In addition, the in silico prediction for this alteration is inconclusive. Based on the available evidence, the clinical significance of this variant remains unclear.

Labcorp Genetics (formerly Invitae), Labcorp
Classification: Uncertain significance for Hereditary pheochromocytoma and paraganglioma. Last evaluated: 2022-08-03. Review status: criteria provided, single submitter. Criteria: Invitae Variant Classification Sherloc (09022015). Collection method: clinical testing. Allele origin: germline.
Comment: This sequence change replaces histidine, which is basic and polar, with leucine, which is neutral and non-polar, at codon 93 of the SDHAF2 protein (p.His93Leu). In summary, the available evidence is currently insufficient to determine the role of this variant in disease. Therefore, it has been classified as a Variant of Uncertain Significance. Algorithms developed to predict the effect of missense changes on protein structure and function (SIFT, PolyPhen-2, Align-GVGD) all suggest that this variant is likely to be tolerated. This variant has not been reported in the literature in individuals affected with SDHAF2-related conditions. This variant is not present in population databases (gnomAD no frequency).

NM_017841.4(SDHAF2):c.278A>T (p.His93Leu)

Gene: SDHAF2 (succinate dehydrogenase complex assembly factor 2; plus strand). Cytogenetic location: 11q12.2.
Variant type: single nucleotide variant.
Coding change: c.278A>T on transcript NM_017841.4 (MANE Select); coding-DNA position 278, A replaced by T.
Protein change: p.His93Leu; replaces histidine 93 with leucine.
Molecular consequence: missense variant.
Genome position (GRCh38, 1-based): chr11:61,438,021, A>T. VCF-style: chr11-61438021-A-T. GRCh37 (hg19) VCF-style: chr11-61205493-A-T.
Other names: short protein forms H93L.
Identifiers: ClinVar variation 1796013 (VCV001796013.8), dbSNP rs1292596542, ClinGen allele CA380684048.